The following is an entry in ClinVar:

ClinVar aggregate classification (germline): Uncertain significance (1 of 4 stars; one submission).

gnomAD v4.1: 2 of 1,563,562 alleles (0.00013%); highest among the groups gnomAD compares: Admixed American, 0.0039%; no homozygotes.

Submission:

Labcorp Genetics (formerly Invitae), Labcorp
Classification: Uncertain significance. Last evaluated: 2026-01-25. Review status: criteria provided, single submitter. Criteria: Invitae Variant Classification Sherloc (09022015). Collection method: clinical testing. Allele origin: germline.
Comment: This sequence change replaces arginine, which is basic and polar, with glycine, which is neutral and non-polar, at codon 513 of the ITSN2 protein (p.Arg513Gly). This variant is present in population databases (rs755593710, gnomAD 0.008%). This variant has not been reported in the literature in individuals affected with ITSN2-related conditions. Experimental studies and prediction algorithms are not available or were not evaluated, and the functional significance of this variant is currently unknown. In summary, the available evidence is currently insufficient to determine the role of this variant in disease. Therefore, it has been classified as a Variant of Uncertain Significance.

NM_006277.3(ITSN2):c.1537C>G (p.Arg513Gly)

Gene: ITSN2 (intersectin 2; minus strand). Cytogenetic location: 2p23.3.
Variant type: single nucleotide variant.
Coding change: c.1537C>G on transcript NM_006277.3 (MANE Select); coding-DNA position 1537, C replaced by G.
Protein change: p.Arg513Gly; replaces arginine 513 with glycine.
Molecular consequence: missense variant.
Genome position (GRCh38, 1-based): chr2:24,295,762, G>C on the plus strand (C>G on the coding strand, the complement: ITSN2 is on the minus strand). VCF-style: chr2-24295762-G-C. GRCh37 (hg19) VCF-style: chr2-24518631-G-C.
Other names: c.1495C>G, p.Arg499Gly (NM_001348181.2, NM_001348184.2); c.1537C>G, p.Arg513Gly (NM_001348182.2, NM_001348183.2, NM_001348185.2 and 3 more transcripts); short protein forms R499G, R513G.
Identifiers: ClinVar variation 4772592 (VCV004772592.1).
Genomic context (GRCh38, chr2:24,295,762, plus strand): 5'-CCAAGTCACACTGCTTATCCAGAACTTCCAGCTCAGTCTTTTGAGTTTGCTTTTTGAGTC[G>C]GACATCCTGAAGTCTGCCTGAGATCTGCTGATGTTTGCCATTCTATAGGAAGATCATATA-3'
Protein context (NP_006268.2, residues 503-523): QQISGRLQDV[Arg513Gly]LKKQTQKTEL